The following is an entry in ClinVar:

NM_000238.4(KCNH2):c.1263G>A (p.Thr421=)

Gene: KCNH2 (potassium voltage-gated channel subfamily H member 2; minus strand). Cytogenetic location: 7q36.1.
Variant type: single nucleotide variant.
Coding change: c.1263G>A on transcript NM_000238.4 (MANE Select); coding-DNA position 1263, G replaced by A.
Protein change: p.Thr421=; no amino-acid change (threonine 421 retained).
Molecular consequence: synonymous variant. On other transcripts: non-coding transcript variant (2).
Genome position (GRCh38, 1-based): chr7:150,952,719, C>T on the plus strand (G>A on the coding strand, the complement: KCNH2 is on the minus strand). VCF-style: chr7-150952719-C-T. GRCh37 (hg19) VCF-style: chr7-150649807-C-T.
Other names: c.243G>A, p.Thr81= (NM_001204798.2, NM_172057.3); c.975G>A, p.Thr325= (NM_001406753.1, NM_001406756.1); c.1086G>A, p.Thr362= (NM_001406755.1); c.963G>A, p.Thr321= (NM_001406757.1); c.1263G>A, p.Thr421= (NM_172056.3).
Identifiers: ClinVar variation 628695 (VCV000628695.18), dbSNP rs368109121, ClinGen allele CA169078644.

ClinVar aggregate classification (germline): Conflicting classifications of pathogenicity. Review status: criteria provided, conflicting classifications (1 of 4 stars). 5 submissions from 5 submitters: Uncertain significance (1); Likely benign (4). Last evaluated 2025-09-30.

Conditions:
Long QT syndrome (LQTS). Identifiers: MedGen C0023976, MeSH D008133, MONDO:0002442. Disease mechanism: loss of function. Inheritance: Various modes of inheritance.
Cardiovascular phenotype. Identifiers: MedGen CN230736.
Cardiac arrhythmia. Also called: Arrhythmia; Cardiac rhythm disease. Identifiers: MedGen C0003811, MONDO:0007263, HP:0011675.

Allele frequency attached by ClinVar (database versions not stated): gnomAD 0.00001; gnomAD exomes 0.00001 and 0.00002; TOPMed 0.00001; ESP Exome Variant Server 0.00008.
gnomAD v4.1: 22 of 1,613,994 alleles (0.0014%); highest among the groups gnomAD compares: South Asian, 0.015%; no homozygotes.

Submissions (5):

Athena Diagnostics
Classification: Uncertain significance. Last evaluated: 2025-09-30. Review status: criteria provided, single submitter. Criteria: Athena Diagnostics Criteria. Collection method: clinical testing. Allele origin: unknown.
Comment: Available data are insufficient to determine the clinical significance of the variant at this time. The frequency of this variant in the general population is uninformative in assessment of its pathogenicity. Computational tools yielded predictions that this variant may result in the gain of a cryptic splice site without affecting the natural splice sites.

Labcorp Genetics (formerly Invitae), Labcorp
Classification: Likely benign for Long QT syndrome. Last evaluated: 2025-04-27. Review status: criteria provided, single submitter. Criteria: Invitae Variant Classification Sherloc (09022015). Collection method: clinical testing. Allele origin: germline.

Ambry Genetics
Classification: Likely benign for Cardiovascular phenotype. Last evaluated: 2024-12-20. Review status: criteria provided, single submitter. Criteria: Ambry Variant Classification Scheme 2023. Collection method: clinical testing. Allele origin: germline.

All of Us Research Program, National Institutes of Health
Classification: Likely benign for Long QT syndrome. Last evaluated: 2023-08-23. Review status: criteria provided, single submitter. Criteria: ACMG Guidelines, 2015. Collection method: clinical testing. Allele origin: germline. Inheritance: Autosomal dominant inheritance. Observed: 3 variant alleles, 3 heterozygotes.
Comment: This study involves interpretation of variants in research participants for the purpose of population health screening. Participant phenotype was not available at the time of variant classification. Additional details can be found in publication PMID: 35346344, PMCID: PMC8962531

Color Diagnostics, LLC DBA Color Health
Classification: Likely benign for Arrhythmia. Last evaluated: 2018-06-18. Review status: criteria provided, single submitter. Criteria: ACMG Guidelines, 2015. Collection method: clinical testing. Allele origin: germline.

Literature cited by the submitters: PubMed 30471092 (cited by Athena Diagnostics).